The following is an entry in ClinVar:

GRCh38/hg38 2p25.3(chr2:142137-638144)x3

Genes: ACP1 (acid phosphatase 1; plus strand), ALKAL2 (ALK and LTK ligand 2; minus strand), LINC01865 (long intergenic non-protein coding RNA 1865; plus strand), LINC01874 (long intergenic non-protein coding RNA 1874; minus strand), LINC01875 (long intergenic non-protein coding RNA 1875; plus strand) and 19 more. Cytogenetic location: 2p25.3.
Variant type: copy number gain.
Change: copy number 3 (three copies instead of two) of chr2:142,137-638,144 (496.0 kb, GRCh38 coordinates, 1-based), cytogenetic band 2p25.3.
Identifiers: ClinVar variation 4755333 (VCV004755333.1).

ClinVar aggregate classification (germline): Uncertain significance (1 of 4 stars; one submission).

Submission:

Clinical Genomics Laboratory, Laboratory for Precision Diagnostics, University of Washington
Classification: Uncertain significance. Last evaluated: 2021-05-06. Review status: criteria provided, single submitter. Criteria: ACMG/ClinGen CNV Guidelines, 2019. Collection method: clinical testing. Allele origin: unknown. Affected: yes. Observed: 1 variant allele.